The following is an entry in ClinVar:

NM_001903.5(CTNNA1):c.1899+1G>C

Gene: CTNNA1 (catenin alpha 1; plus strand). Cytogenetic location: 5q31.2.
Variant type: single nucleotide variant.
Coding change: c.1899+1G>C on transcript NM_001903.5 (MANE Select); the canonical splice donor site of the intron after coding-DNA position 1899, G replaced by C.
Molecular consequence: splice donor variant.
Genome position (GRCh38, 1-based): chr5:138,925,408, G>C. VCF-style: chr5-138925408-G-C. GRCh37 (hg19) VCF-style: chr5-138261097-G-C.
Other names: c.1590+1G>C (NM_001290309.3); c.1899+1G>C (NM_001323983.1, NM_001323985.2, NM_001323982.2 and 2 more transcripts); c.789+1G>C (NM_001323996.1, NM_001323993.1, NM_001323991.1 and 17 more transcripts); c.546+1G>C (NM_001324013.1, NM_001324012.1); c.450+1G>C (NM_001324009.1, NM_001324007.1, NM_001324006.1 and 2 more transcripts); c.1806+1G>C (NM_001323986.2); c.1530+1G>C (NM_001290310.3); c.696+1G>C (NM_001324011.1).
Identifiers: ClinVar variation 820262 (VCV000820262.17), dbSNP rs1580862601, ClinGen allele CA361132477.

ClinVar aggregate classification (germline): Likely pathogenic. Review status: criteria provided, multiple submitters, no conflicts (2 of 4 stars). 3 submissions from 3 submitters: Likely pathogenic (3). Last evaluated 2026-01-28.

Conditions:
Hereditary cancer-predisposing syndrome. Also called: Hereditary Cancer Syndrome; Neoplastic Syndromes, Hereditary; Hereditary neoplastic syndrome; Tumor predisposition. Identifiers: Orphanet 140162, MedGen C0027672, MeSH D009386, MONDO:0015356.
Hereditary diffuse gastric adenocarcinoma (HDGC). Also called: DIFFUSE GASTRIC AND LOBULAR BREAST CANCER SYNDROME. Identifiers: Orphanet 26106, MedGen C1708349, MONDO:0007648, OMIM 137215.

Submissions (3):

Labcorp Genetics (formerly Invitae), Labcorp
Classification: Likely pathogenic. Last evaluated: 2026-01-28. Review status: criteria provided, single submitter. Criteria: Invitae Variant Classification Sherloc (09022015). Collection method: clinical testing. Allele origin: germline.
Comment: This sequence change affects a donor splice site in intron 13 of the CTNNA1 gene. It is expected to disrupt RNA splicing. Variants that disrupt the donor or acceptor splice site typically lead to a loss of protein function (PMID: 16199547), and loss-of-function variants in CTNNA1 are known to be pathogenic (PMID: 32051609, 34425242). This variant is not present in population databases (gnomAD no frequency). This variant has not been reported in the literature in individuals affected with CTNNA1-related conditions. ClinVar contains an entry for this variant (Variation ID: 820262). Studies have shown that disruption of this splice site is associated with altered splicing resulting in multiple RNA products (internal data). In summary, the currently available evidence indicates that the variant is pathogenic, but additional data are needed to prove that conclusively. Therefore, this variant has been classified as Likely Pathogenic.

Ambry Genetics
Classification: Likely pathogenic for Hereditary cancer-predisposing syndrome. Last evaluated: 2025-06-03. Review status: criteria provided, single submitter. Criteria: Ambry Variant Classification Scheme 2023. Collection method: clinical testing. Allele origin: germline.
Comment: The c.1899+1G>C intronic variant results from a G to C substitution one nucleotide after coding exon 12 of the CTNNA1 gene. This nucleotide position is highly conserved in available vertebrate species. In silico splice site analysis predicts that this alteration will weaken the native splice donor site. This variant is considered to be rare based on population cohorts in the Genome Aggregation Database (gnomAD). Alterations that disrupt the canonical splice site are expected to cause aberrant splicing, resulting in an abnormal protein or a transcript that is subject to nonsense-mediated mRNA decay. As such, this alteration is classified as likely pathogenic.

Myriad Genetics, Inc.
Classification: Likely pathogenic for Hereditary diffuse gastric adenocarcinoma. Last evaluated: 2024-09-12. Review status: criteria provided, single submitter. Criteria: Myriad Autosomal Dominant, Autosomal Recessive and X-Linked Classification Criteria (2023). Collection method: clinical testing. Allele origin: unknown.
Comment: This variant is considered likely pathogenic. This variant occurs within a consensus splice junction and is predicted to result in abnormal mRNA splicing of either an out-of-frame exon or an in-frame exon necessary for protein stability and/or normal function.

Literature cited by the submitters: PubMed 16199547 (cited by Labcorp Genetics (formerly Invitae), Labcorp); PubMed 32051609 (cited by Labcorp Genetics (formerly Invitae), Labcorp); PubMed 34425242 (cited by Labcorp Genetics (formerly Invitae), Labcorp).